The following is an entry in ClinVar:

NM_022474.4(PALS1):c.1486C>T (p.Arg496Cys)

Genes: GPHN (gephyrin; plus strand), PALS1 (protein associated with LIN7 1, MAGUK p55 family member; plus strand). Cytogenetic location: 14q23.3.
Variant type: single nucleotide variant.
Coding change: c.1486C>T on transcript NM_022474.4 (MANE Select); coding-DNA position 1486, C replaced by T.
Protein change: p.Arg496Cys; replaces arginine 496 with cysteine.
Molecular consequence: missense variant.
Genome position (GRCh38, 1-based): chr14:67,320,346, C>T. VCF-style: chr14-67320346-C-T. GRCh37 (hg19) VCF-style: chr14-67787063-C-T.
Other names: c.1384C>T, p.Arg462Cys (NM_001256550.2); short protein forms R462C, R496C.
Identifiers: ClinVar variation 4861574 (VCV004861574.1).

ClinVar aggregate classification (germline): Uncertain significance (1 of 4 stars; one submission).

gnomAD v4.1: 5 of 1,612,468 alleles (0.00031%); highest among the groups gnomAD compares: African/African-American, 0.0027%; no homozygotes.

Submission:

Ambry Genetics
Classification: Uncertain significance. Last evaluated: 2026-03-19. Review status: criteria provided, single submitter. Criteria: Ambry Variant Classification Scheme 2023. Collection method: clinical testing. Allele origin: germline.
Comment: The c.1486C>T (p.R496C) alteration is located in exon 12 (coding exon 10) of the MPP5 gene. This alteration results from a C to T substitution at nucleotide position 1486, causing the arginine (R) at amino acid position 496 to be replaced by a cysteine (C). Based on data from gnomAD, the T allele has an overall frequency of <0.001% (1/250020) total alleles studied. The highest observed frequency was 0.001% (1/113362) of European (non-Finnish) alleles. Based on insufficient or conflicting evidence, the clinical significance of this alteration remains unclear.